The following is an entry in ClinVar:

NM_017802.4(DNAAF5):c.2375G>A (p.Arg792Gln)

Gene: DNAAF5 (dynein axonemal assembly factor 5; plus strand). Cytogenetic location: 7p22.3.
Variant type: single nucleotide variant.
Coding change: c.2375G>A on transcript NM_017802.4 (MANE Select); coding-DNA position 2375, G replaced by A.
Protein change: p.Arg792Gln; replaces arginine 792 with glutamine.
Molecular consequence: missense variant. On other transcripts: non-coding transcript variant (1).
Genome position (GRCh38, 1-based): chr7:780,088, G>A. VCF-style: chr7-780088-G-A. GRCh37 (hg19) VCF-style: chr7-819725-G-A.
Other names: short protein forms R792Q.
Identifiers: ClinVar variation 410301 (VCV000410301.10), dbSNP rs772102523, ClinGen allele CA4111179.

ClinVar aggregate classification (germline): Uncertain significance. Review status: criteria provided, multiple submitters, no conflicts (2 of 4 stars). 3 submissions from 3 submitters: Uncertain significance (2). 1 of the submissions does not count toward it. Last evaluated 2025-03-23.

Conditions:
Primary ciliary dyskinesia. Also called: Ciliary dyskinesia. Identifiers: Orphanet 244, MedGen C0008780, MONDO:0016575, HP:0012265.
DNAAF5-related disorder. Also called: DNAAF5-related condition.

Allele frequency attached by ClinVar (database versions not stated): gnomAD 0.00004; gnomAD exomes 0.00004 and 0.00006; TOPMed 0.00005; ExAC 0.00002.

Submissions (3):

Ambry Genetics
Classification: Uncertain significance for Primary ciliary dyskinesia. Last evaluated: 2025-03-23. Review status: criteria provided, single submitter. Criteria: Ambry Variant Classification Scheme 2023. Collection method: clinical testing. Allele origin: germline.
Comment: The p.R792Q variant (also known as c.2375G>A), located in coding exon 12 of the DNAAF5 gene, results from a G to A substitution at nucleotide position 2375. The arginine at codon 792 is replaced by glutamine, an amino acid with highly similar properties. This amino acid position is conserved. In addition, this alteration is predicted to be tolerated by in silico analysis. Since supporting evidence is limited at this time, the clinical significance of this alteration remains unclear.

Labcorp Genetics (formerly Invitae), Labcorp
Classification: Uncertain significance for Primary ciliary dyskinesia. Last evaluated: 2022-04-21. Review status: criteria provided, single submitter. Criteria: Invitae Variant Classification Sherloc (09022015). Collection method: clinical testing. Allele origin: germline.
Comment: This sequence change replaces arginine, which is basic and polar, with glutamine, which is neutral and polar, at codon 792 of the DNAAF5 protein (p.Arg792Gln). This variant is present in population databases (rs772102523, gnomAD 0.008%). This variant has not been reported in the literature in individuals affected with DNAAF5-related conditions. ClinVar contains an entry for this variant (Variation ID: 410301). Algorithms developed to predict the effect of missense changes on protein structure and function (SIFT, PolyPhen-2, Align-GVGD) all suggest that this variant is likely to be tolerated. In summary, the available evidence is currently insufficient to determine the role of this variant in disease. Therefore, it has been classified as a Variant of Uncertain Significance.

PreventionGenetics, part of Exact Sciences
Classification: Uncertain significance for DNAAF5-related condition. Last evaluated: 2024-05-06. Review status: no assertion criteria provided. Collection method: clinical testing. Allele origin: germline. Not counted in ClinVar's aggregate classification.
Comment: The DNAAF5 c.2375G>A variant is predicted to result in the amino acid substitution p.Arg792Gln. To our knowledge, this variant has not been reported in the literature. This variant is reported in 0.0080% of alleles in individuals of African descent in gnomAD. At this time, the clinical significance of this variant is uncertain due to the absence of conclusive functional and genetic evidence.